The following is an entry in ClinVar:

ClinVar aggregate classification (germline): Uncertain significance (1 of 4 stars; one submission).

Submission:

Dasa
Classification: Uncertain significance. Last evaluated: 2025-04-17. Review status: criteria provided, single submitter. Criteria: DASA Assertion Criteria. Collection method: clinical testing. Allele origin: germline.
Comment: NM_014847.4(UBAP2L):c.1768C>T (p.Pro590Ser) is a missense variant that results in the substitution of proline with serine. This variant is absent from population databases. Computational prediction algorithms are consistent with a benign effect. The currently available literature and clinical evidence are not sufficient to establish a definitive association between this variant and the reported condition. Therefore, this variant is classified as a variant of uncertain significance.

NM_014847.4(UBAP2L):c.1768C>T (p.Pro590Ser)

Gene: UBAP2L (ubiquitin associated protein 2 like; plus strand). Cytogenetic location: 1q21.3.
Variant type: single nucleotide variant.
Coding change: c.1768C>T on transcript NM_014847.4 (MANE Select); coding-DNA position 1768, C replaced by T.
Protein change: p.Pro590Ser; replaces proline 590 with serine.
Molecular consequence: missense variant.
Genome position (GRCh38, 1-based): chr1:154,254,003, C>T. VCF-style: chr1-154254003-C-T. GRCh37 (hg19) VCF-style: chr1-154226479-C-T.
Other names: c.1768C>T, p.Pro590Ser (NM_001127320.3, NM_001375614.1, NM_001375615.1 and 14 more transcripts); c.1747C>T, p.Pro583Ser (NM_001287815.1); c.1801C>T, p.Pro601Ser (NM_001287816.1, NM_001330730.1, NM_001375612.1 and 2 more transcripts); short protein forms P583S, P590S, P601S.
Identifiers: ClinVar variation 4881668 (VCV004881668.2).
Genomic context (GRCh38, chr1:154,254,003, plus strand): 5'-GGTTATCAGAGCGGCCCAATTCAGTCGACAACCTATACCTCCCAAAATAATGCTCAGGGC[C>T]CTCTTTATGAACAGAGATCCACACAGACTCGGCGGTACCCCAGCTCCATCTCTTCATCAC-3'
Protein context (NP_055662.3, residues 580-600): TYTSQNNAQG[Pro590Ser]LYEQRSTQTR